The following is an entry in ClinVar:

NM_001846.4(COL4A2):c.2555C>T (p.Pro852Leu)

Gene: COL4A2 (collagen type IV alpha 2 chain; plus strand). Cytogenetic location: 13q34.
Variant type: single nucleotide variant.
Coding change: c.2555C>T on transcript NM_001846.4 (MANE Select); coding-DNA position 2555, C replaced by T.
Protein change: p.Pro852Leu; replaces proline 852 with leucine.
Molecular consequence: missense variant.
Genome position (GRCh38, 1-based): chr13:110,478,132, C>T. VCF-style: chr13-110478132-C-T. GRCh37 (hg19) VCF-style: chr13-111130479-C-T.
Other names: c.2555C>T (NM_001846.2, NM_001846.3); short protein forms P852L.
Identifiers: ClinVar variation 2627052 (VCV002627052.4), dbSNP rs918015888, ClinGen allele CA256274396.

ClinVar aggregate classification (germline): Uncertain significance. Review status: criteria provided, multiple submitters, no conflicts (2 of 4 stars). 4 submissions from 4 submitters: Uncertain significance (3). 1 of the submissions does not count toward it. Last evaluated 2025-04-03.

Conditions:
COL4A2-related disorder. Also called: COL4A2-related disorders; COL4A2-related condition.
Inborn genetic diseases. Identifiers: MedGen C0950123, MeSH D030342.
Brain small vessel disease 2A, autosomal dominant. Also called: Porencephaly 2. Identifiers: Orphanet 2940, Orphanet 99810, MedGen C3280970, MONDO:0013773, OMIM 614483.

Allele frequency attached by ClinVar (database versions not stated): TOPMed 0.00001; gnomAD 0.00002; gnomAD exomes 0.00005.
gnomAD v4.1: 72 of 1,597,150 alleles (0.0045%); highest among the groups gnomAD compares: Non-Finnish European, 0.0056%; no homozygotes.

Submissions (4):

Ambry Genetics
Classification: Uncertain significance for Inborn genetic diseases. Last evaluated: 2025-04-03. Review status: criteria provided, single submitter. Criteria: Ambry Variant Classification Scheme 2023. Collection method: clinical testing. Allele origin: germline.

PreventionGenetics, part of Exact Sciences
Classification: Uncertain significance for COL4A2-related condition. Last evaluated: 2025-03-18. Review status: criteria provided, single submitter. Criteria: ACMG Guidelines, 2015. Collection method: clinical testing. Allele origin: germline.
Comment: The COL4A2 c.2555C>T variant is predicted to result in the amino acid substitution p.Pro852Leu. To our knowledge, this variant has not been reported in the literature. This variant is reported in 0.0043% of alleles in individuals of African descent in gnomAD. At this time, the clinical significance of this variant is uncertain due to the absence of conclusive functional and genetic evidence.

Blueprint Genetics
Classification: Uncertain significance. Last evaluated: 2024-02-27. Review status: criteria provided, single submitter. Criteria: ACMG Guidelines, 2015. Collection method: clinical testing. Allele origin: germline.

Zotz-Klimas Genetics Lab, MVZ Zotz Klimas
Classification: Uncertain significance for Brain small vessel disease 2A, autosomal dominant. Last evaluated: 2023-10-30. Review status: no assertion criteria provided. Collection method: clinical testing. Allele origin: germline. Affected: yes. Not counted in ClinVar's aggregate classification.